The following is an entry in ClinVar:

ClinVar aggregate classification (germline): Uncertain significance (1 of 4 stars; one submission).

Conditions:
Familial adenomatous polyposis 1 (FAP1). Also called: FAMILIAL ADENOMATOUS POLYPOSIS 1, ATTENUATED; POLYPOSIS, ADENOMATOUS INTESTINAL. Identifiers: MedGen C2713442, MONDO:0021056, OMIM 175100. Disease mechanism: loss of function.

Submission:

Labcorp Genetics (formerly Invitae), Labcorp
Classification: Uncertain significance for Familial adenomatous polyposis 1. Last evaluated: 2015-08-26. Review status: criteria provided, single submitter. Criteria: Invitae Variant Classification Sherloc (09022015). Collection method: clinical testing. Allele origin: germline.
Comment: This sequence change replaces serine with threonine at codon 992 of the APC protein (p.Ser992Thr). The serine residue is highly conserved and there is a small physicochemical difference between serine and threonine. This variant is not present in population databases and has not been reported in the literature. Algorithms developed to predict the effect of missense changes on protein structure and function (SIFT, PolyPhen-2, Align-GVGD) all suggest that this variant is likely to be tolerated, but these predictions have not been confirmed by published functional studies. In summary, this is a novel missense change that is not predicted to affect protein function or cause disease. However the evidence is insufficient at this time to prove that conclusively. It has been classified as a Variant of Uncertain Significance.

NM_000038.6(APC):c.2975G>C (p.Ser992Thr)

Gene: APC (APC regulator of Wnt signaling pathway; plus strand). Cytogenetic location: 5q22.2.
Variant type: single nucleotide variant.
Coding change: c.2975G>C on transcript NM_000038.6 (MANE Select); coding-DNA position 2975, G replaced by C.
Protein change: p.Ser992Thr; replaces serine 992 with threonine.
Molecular consequence: missense variant.
Genome position (GRCh38, 1-based): chr5:112,838,569, G>C. VCF-style: chr5-112838569-G-C. GRCh37 (hg19) VCF-style: chr5-112174266-G-C.
Other names: c.2975G>C, p.Ser992Thr (NM_001127510.3, NM_001354895.2); c.2921G>C, p.Ser974Thr (NM_001127511.3); c.3029G>C, p.Ser1010Thr (NM_001354896.2); c.3005G>C, p.Ser1002Thr (NM_001354897.2); c.2900G>C, p.Ser967Thr (NM_001354898.2); c.2891G>C, p.Ser964Thr (NM_001354899.2); c.2852G>C, p.Ser951Thr (NM_001354900.2); c.2798G>C, p.Ser933Thr (NM_001354901.2); and 5 more; short protein forms S974T, S992T, S1010T, S709T, S866T, S901T, S967T, S832T.
Identifiers: ClinVar variation 219967 (VCV000219967.1), dbSNP rs864622328, ClinGen allele CA348923.